The following is an entry in ClinVar:

ClinVar aggregate classification (germline): Benign. Review status: criteria provided, multiple submitters, no conflicts (2 of 4 stars). 2 submissions from 2 submitters: Benign (2). Last evaluated 2018-06-14.

Allele frequency attached by ClinVar (database versions not stated): gnomAD exomes 0.54295; 1000 Genomes Project 0.55891; 1000 Genomes Project 30x 0.56605; gnomAD 0.59823 and 0.60895; TOPMed 0.60554.
gnomAD v4.1: 393,973 of 710,780 alleles (55%); highest among the groups gnomAD compares: African/African-American, 71%; 112,599 homozygotes.

Submissions (2):

GeneDx
Classification: Benign. Last evaluated: 2018-06-14. Review status: criteria provided, single submitter. Criteria: GeneDx Variant Classification (06012015). Collection method: clinical testing. Allele origin: germline. Affected: yes.
Comment: This variant is considered likely benign or benign based on one or more of the following criteria: it is a conservative change, it occurs at a poorly conserved position in the protein, it is predicted to be benign by multiple in silico algorithms, and/or has population frequency not consistent with disease.

Breakthrough Genomics
Classification: Benign. Review status: criteria provided, single submitter. Criteria: ACMG Guidelines, 2015. Collection method: not provided. Allele origin: germline. Inheritance: Autosomal recessive inheritance. Affected: yes.

NM_000260.4(MYO7A):c.2694+134A>G

Gene: MYO7A (myosin VIIA; plus strand). Cytogenetic location: 11q13.5.
Variant type: single nucleotide variant.
Coding change: c.2694+134A>G on transcript NM_000260.4 (MANE Select); 134 bases into the intron after coding-DNA position 2694, A replaced by G.
Molecular consequence: intron variant.
Genome position (GRCh38, 1-based): chr11:77,180,615, A>G. VCF-style: chr11-77180615-A-G. GRCh37 (hg19) VCF-style: chr11-76891661-A-G.
Other names: c.2661+134A>G (NM_001369365.1); c.2694+134A>G (NM_001127180.2).
Identifiers: ClinVar variation 678827 (VCV000678827.2), dbSNP rs1109162, ClinGen allele CA13464822.
Genomic context (GRCh38, chr11:77,180,615, plus strand): 5'-CTGTCACCCGGTGCTGCAGCCTTCCTTCCATCCTTCAGAATGGCCACACTAGACCCACTC[A>G]GCCAGCATTGCCTGAGCTCTCGCTGGGCACCTGGTCCTGTGCCATGCAAAAGGATGAAGG-3'